The following is an entry in ClinVar:

NM_080680.3(COL11A2):c.2736G>A (p.Val912=)

Gene: COL11A2 (collagen type XI alpha 2 chain; minus strand). Cytogenetic location: 6p21.32.
Variant type: single nucleotide variant.
Coding change: c.2736G>A on transcript NM_080680.3 (MANE Select); coding-DNA position 2736, G replaced by A.
Protein change: p.Val912=; no amino-acid change (valine 912 retained).
Molecular consequence: synonymous variant.
Genome position (GRCh38, 1-based): chr6:33,173,348, C>T on the plus strand (G>A on the coding strand, the complement: COL11A2 is on the minus strand). VCF-style: chr6-33173348-C-T. GRCh37 (hg19) VCF-style: chr6-33141125-C-T.
Other names: c.2415G>A, p.Val805= (NM_080679.3); c.2478G>A, p.Val826= (NM_080681.3); c.2736G>A (NM_080680.2).
Identifiers: ClinVar variation 1360695 (VCV001360695.7), dbSNP rs1022027047, ClinGen allele CA137068400.

ClinVar aggregate classification (germline): Uncertain significance. Review status: criteria provided, multiple submitters, no conflicts (2 of 4 stars). 2 submissions from 2 submitters: Uncertain significance (2). Last evaluated 2025-12-20.

Allele frequency attached by ClinVar (database versions not stated): gnomAD exomes 0.00001; TOPMed 0.00002; gnomAD 0.00003.

Submissions (2):

Labcorp Genetics (formerly Invitae), Labcorp
Classification: Uncertain significance. Last evaluated: 2025-12-20. Review status: criteria provided, single submitter. Criteria: Invitae Variant Classification Sherloc (09022015). Collection method: clinical testing. Allele origin: germline.
Comment: This sequence change affects codon 912 of the COL11A2 mRNA. It is a 'silent' change, meaning that it does not change the encoded amino acid sequence of the COL11A2 protein. This variant also falls at the last nucleotide of exon 37, which is part of the consensus splice site for this exon. This variant is present in population databases (no rsID available, gnomAD 0.005%). This variant has not been reported in the literature in individuals affected with COL11A2-related conditions. ClinVar contains an entry for this variant (Variation ID: 1360695). Variants that disrupt the consensus splice site are a relatively common cause of aberrant splicing (PMID: 17576681, 9536098). Algorithms developed to predict the effect of sequence changes on RNA splicing suggest that this variant may disrupt the consensus splice site. In summary, the available evidence is currently insufficient to determine the role of this variant in disease. Therefore, it has been classified as a Variant of Uncertain Significance.

GeneDx
Classification: Uncertain significance. Last evaluated: 2024-06-13. Review status: criteria provided, single submitter. Criteria: GeneDx Variant Classification Process June 2021. Collection method: clinical testing. Allele origin: germline. Affected: yes.
Comment: Not observed at significant frequency in large population cohorts (gnomAD); Has not been previously published as pathogenic or benign to our knowledge; In silico analysis is inconclusive as to whether the variant alters gene splicing. In the absence of RNA/functional studies, the actual effect of this sequence change is unknown.

Literature cited by the submitters: PubMed 17576681 (cited by Labcorp Genetics (formerly Invitae), Labcorp); PubMed 9536098 (cited by Labcorp Genetics (formerly Invitae), Labcorp).